The following is an entry in ClinVar:

ClinVar aggregate classification (germline): Uncertain significance. Review status: criteria provided, multiple submitters, no conflicts (2 of 4 stars). 2 submissions from 2 submitters: Uncertain significance (2). Last evaluated 2025-11-18.

Conditions:
Hereditary cancer-predisposing syndrome. Also called: Hereditary neoplastic syndrome; Neoplastic Syndromes, Hereditary; Tumor predisposition; Hereditary Cancer Syndrome. Identifiers: Orphanet 140162, MedGen C0027672, MeSH D009386, MONDO:0015356.
Tuberous sclerosis 2 (TSC2). Identifiers: Orphanet 805, MedGen C1860707, MONDO:0013199, OMIM 613254.

Allele frequency attached by ClinVar (database versions not stated): gnomAD exomes below 0.00001.
gnomAD v4.1: 2 of 1,613,572 alleles (0.00012%); highest among the groups gnomAD compares: Non-Finnish European, 0.00017%; no homozygotes.

Submissions (2):

Ambry Genetics
Classification: Uncertain significance for Hereditary cancer-predisposing syndrome. Last evaluated: 2025-11-18. Review status: criteria provided, single submitter. Criteria: Ambry Variant Classification Scheme 2023. Collection method: clinical testing. Allele origin: germline.
Comment: The c.2221-3C>G intronic variant results from a C to G substitution 3 nucleotides upstream from coding exon 20 in the TSC2 gene. This nucleotide position is poorly conserved in available vertebrate species. In silico splice site analysis predicts that this alteration may weaken the native splice acceptor site and will result in the creation or strengthening of a novel splice acceptor site; however, direct evidence is insufficient at this time (Ambry internal data). Based on the available evidence, the clinical significance of this variant remains unclear.

Labcorp Genetics (formerly Invitae), Labcorp
Classification: Uncertain significance for Tuberous sclerosis 2. Last evaluated: 2023-11-07. Review status: criteria provided, single submitter. Criteria: Invitae Variant Classification Sherloc (09022015). Collection method: clinical testing. Allele origin: germline.
Comment: This sequence change falls in intron 20 of the TSC2 gene. It does not directly change the encoded amino acid sequence of the TSC2 protein. It affects a nucleotide within the consensus splice site. This variant is not present in population databases (gnomAD no frequency). This variant has not been reported in the literature in individuals affected with TSC2-related conditions. ClinVar contains an entry for this variant (Variation ID: 467930). Variants that disrupt the consensus splice site are a relatively common cause of aberrant splicing (PMID: 17576681, 9536098). Algorithms developed to predict the effect of sequence changes on RNA splicing suggest that this variant may disrupt the consensus splice site. In summary, the available evidence is currently insufficient to determine the role of this variant in disease. Therefore, it has been classified as a Variant of Uncertain Significance.

Literature cited by the submitters: PubMed 17576681 (cited by Labcorp Genetics (formerly Invitae), Labcorp); PubMed 9536098 (cited by Labcorp Genetics (formerly Invitae), Labcorp).

NM_000548.5(TSC2):c.2221-3C>G

Gene: TSC2 (TSC complex subunit 2; plus strand). Cytogenetic location: 16p13.3.
Variant type: single nucleotide variant.
Coding change: c.2221-3C>G on transcript NM_000548.5 (MANE Select); 3 bases into the intron before coding-DNA position 2221, C replaced by G.
Molecular consequence: intron variant.
Genome position (GRCh38, 1-based): chr16:2,072,846, C>G. VCF-style: chr16-2072846-C-G. GRCh37 (hg19) VCF-style: chr16-2122847-C-G.
Other names: c.2221-3C>G (NM_001114382.3, NM_021055.3, NM_001370405.1 and 3 more transcripts); c.2110-3C>G (NM_001318827.2); c.1621-3C>G (NM_001318831.2); c.2074-3C>G (NM_001318829.2); c.2254-3C>G (NM_001318832.2).
Identifiers: ClinVar variation 467930 (VCV000467930.15), dbSNP rs1555506834, ClinGen allele CA658658376.